The following is an entry in ClinVar:

ClinVar aggregate classification (germline): Uncertain significance (1 of 4 stars; one submission).

Submission:

Labcorp Genetics (formerly Invitae), Labcorp
Classification: Uncertain significance. Last evaluated: 2024-10-23. Review status: criteria provided, single submitter. Criteria: Invitae Variant Classification Sherloc (09022015). Collection method: clinical testing. Allele origin: germline.
Comment: This sequence change creates a premature translational stop signal (p.Ser521Glnfs*9) in the TAOK2 gene. It is expected to result in an absent or disrupted protein product. However, the current clinical and genetic evidence is not sufficient to establish whether loss-of-function variants in TAOK2 cause disease. This variant is not present in population databases (gnomAD no frequency). This variant has not been reported in the literature in individuals affected with TAOK2-related conditions. In summary, the available evidence is currently insufficient to determine the role of this variant in disease. Therefore, it has been classified as a Variant of Uncertain Significance.

NM_016151.4(TAOK2):c.1560dup (p.Ser521fs)

Gene: TAOK2 (TAO kinase 2; plus strand). Cytogenetic location: 16p11.2.
Variant type: Duplication.
Coding change: c.1560dup on transcript NM_016151.4 (MANE Select); coding-DNA position 1560, one base duplicated (C; older notation c.1560dupC).
Protein change: p.Ser521fs; shifts the reading frame from serine 521.
Molecular consequence: frameshift variant.
Genome position (GRCh38, 1-based): chr16:29,985,350, C duplicated. VCF-style (leftmost placement, unchanged base first): chr16-29985349-A-AC. GRCh37 (hg19) VCF-style: chr16-29996670-A-AC.
Other names: c.1560dup, p.Ser521fs (NM_001252043.2, NM_004783.4); short protein forms S521fs.
Identifiers: ClinVar variation 3723679 (VCV003723679.2).